The following is an entry in ClinVar:

ClinVar aggregate classification (germline): Uncertain significance (1 of 4 stars; one submission).

Conditions:
Hereditary cancer-predisposing syndrome. Also called: Neoplastic Syndromes, Hereditary; Tumor predisposition; Hereditary neoplastic syndrome; Hereditary Cancer Syndrome. Identifiers: Orphanet 140162, MedGen C0027672, MeSH D009386, MONDO:0015356.

Allele frequency attached by ClinVar (database versions not stated): gnomAD exomes below 0.00001.
gnomAD v4.1: 1 of 1,614,232 alleles (0.000062%); highest among the groups gnomAD compares: Non-Finnish European, 0.000085%; no homozygotes.

Submission:

Ambry Genetics
Classification: Uncertain significance for Hereditary cancer-predisposing syndrome. Last evaluated: 2024-03-02. Review status: criteria provided, single submitter. Criteria: Ambry Variant Classification Scheme 2023. Collection method: clinical testing. Allele origin: germline.
Comment: The p.N2706Y variant (also known as c.8116A>T), located in coding exon 17 of the BRCA2 gene, results from an A to T substitution at nucleotide position 8116. The asparagine at codon 2706 is replaced by tyrosine, an amino acid with dissimilar properties. This amino acid position is conserved. In addition, the in silico prediction for this alteration is inconclusive. Based on the available evidence, the clinical significance of this alteration remains unclear.

NM_000059.4(BRCA2):c.8116A>T (p.Asn2706Tyr)

Gene: BRCA2 (BRCA2 DNA repair associated; plus strand). Cytogenetic location: 13q13.1.
Variant type: single nucleotide variant.
Coding change: c.8116A>T on transcript NM_000059.4 (MANE Select); coding-DNA position 8116, A replaced by T.
Protein change: p.Asn2706Tyr; replaces asparagine 2706 with tyrosine.
Molecular consequence: missense variant. On other transcripts: non-coding transcript variant (1).
Genome position (GRCh38, 1-based): chr13:32,363,318, A>T. VCF-style: chr13-32363318-A-T. GRCh37 (hg19) VCF-style: chr13-32937455-A-T.
Other names: c.8020A>T, p.Asn2674Tyr (NM_001406719.1); c.8116A>T, p.Asn2706Tyr (NM_001406720.1); c.3184A>T, p.Asn1062Tyr (NM_001406721.1); c.1699A>T, p.Asn567Tyr (NM_001406722.1); short protein forms N1062Y, N2674Y, N2706Y, N567Y.
Identifiers: ClinVar variation 3229123 (VCV003229123.1), dbSNP rs1196515495, ClinGen allele CA387749372.
Genomic context (GRCh38, chr13:32,363,318, plus strand): 5'-CTTGTTCTCTGTGTTTCTGACATAATTTCATTGAGCGCAAATATATCTGAAACTTCTAGC[A>T]ATAAAACTAGTAGTGCAGATACCCAAAAAGTGGCCATTATTGAACTTACAGATGGGTGGT-3'
Protein context (NP_000050.3, residues 2696-2716): LSANISETSS[Asn2706Tyr]KTSSADTQKV